The following is an entry in ClinVar:

NM_021831.6(AGBL5):c.2107A>G (p.Arg703Gly)

Gene: AGBL5 (AGBL carboxypeptidase 5; plus strand). Cytogenetic location: 2p23.3.
Variant type: single nucleotide variant.
Coding change: c.2107A>G on transcript NM_021831.6 (MANE Select); coding-DNA position 2107, A replaced by G.
Protein change: p.Arg703Gly; replaces arginine 703 with glycine.
Molecular consequence: missense variant. On other transcripts: non-coding transcript variant (2).
Genome position (GRCh38, 1-based): chr2:27,067,511, A>G. VCF-style: chr2-27067511-A-G. GRCh37 (hg19) VCF-style: chr2-27290379-A-G.
Other names: short protein forms R703G.
Identifiers: ClinVar variation 1401693 (VCV001401693.8), dbSNP rs1233229079, ClinGen allele CA346140699.

ClinVar aggregate classification (germline): Uncertain significance (1 of 4 stars; one submission).

Submission:

Labcorp Genetics (formerly Invitae), Labcorp
Classification: Uncertain significance. Last evaluated: 2025-11-24. Review status: criteria provided, single submitter. Criteria: Invitae Variant Classification Sherloc (09022015). Collection method: clinical testing. Allele origin: germline.
Comment: This sequence change replaces arginine, which is basic and polar, with glycine, which is neutral and non-polar, at codon 703 of the AGBL5 protein (p.Arg703Gly). This variant is not present in population databases (gnomAD no frequency). This variant has not been reported in the literature in individuals affected with AGBL5-related conditions. ClinVar contains an entry for this variant (Variation ID: 1401693). An algorithm developed to predict the effect of missense changes on protein structure and function (PolyPhen-2) suggests that this variant is likely to be disruptive. In summary, the available evidence is currently insufficient to determine the role of this variant in disease. Therefore, it has been classified as a Variant of Uncertain Significance.